The following is an entry in ClinVar:

ClinVar aggregate classification (germline): Pathogenic (1 of 4 stars; one submission).

Submission:

Labcorp Genetics (formerly Invitae), Labcorp
Classification: Pathogenic. Last evaluated: 2019-11-10. Review status: criteria provided, single submitter. Criteria: Invitae Variant Classification Sherloc (09022015). Collection method: clinical testing. Allele origin: germline.
Comment: This variant has not been reported in the literature in individuals with LRPPRC-related conditions. For these reasons, this variant has been classified as Pathogenic. Loss-of-function variants in LRPPRC are known to be pathogenic (PMID: 26510951). This variant is not present in population databases (ExAC no frequency). This sequence change creates a premature translational stop signal (p.Arg799*) in the LRPPRC gene. It is expected to result in an absent or disrupted protein product.

Literature cited by the submitters: PubMed 26510951.

NM_133259.4(LRPPRC):c.2395A>T (p.Arg799Ter)

Gene: LRPPRC (leucine rich pentatricopeptide repeat containing; minus strand). Cytogenetic location: 2p21.
Variant type: single nucleotide variant.
Coding change: c.2395A>T on transcript NM_133259.4 (MANE Select); coding-DNA position 2395, A replaced by T.
Protein change: p.Arg799Ter; replaces arginine 799 with a stop codon.
Molecular consequence: nonsense.
Genome position (GRCh38, 1-based): chr2:43,943,796, T>A on the plus strand (A>T on the coding strand, the complement: LRPPRC is on the minus strand). VCF-style: chr2-43943796-T-A. GRCh37 (hg19) VCF-style: chr2-44170935-T-A.
Other names: short protein forms R799*.
Identifiers: ClinVar variation 972588 (VCV000972588.7), dbSNP rs1394324745, ClinGen allele CA346672904.